The following is an entry in ClinVar:

ClinVar aggregate classification (germline): Uncertain significance (1 of 4 stars; one submission).

Conditions:
Pyogenic arthritis-pyoderma gangrenosum-acne syndrome (PAPA). Also called: PAPA SYNDROME; FAMILIAL RECURRENT ARTHRITIS. Identifiers: Orphanet 69126, MedGen C1858361, MONDO:0011462, OMIM 604416.

Submission:

Labcorp Genetics (formerly Invitae), Labcorp
Classification: Uncertain significance for Pyogenic arthritis-pyoderma gangrenosum-acne syndrome. Last evaluated: 2024-05-18. Review status: criteria provided, single submitter. Criteria: Invitae Variant Classification Sherloc (09022015). Collection method: clinical testing. Allele origin: germline.
Comment: This sequence change replaces lysine, which is basic and polar, with glutamic acid, which is acidic and polar, at codon 37 of the PSTPIP1 protein (p.Lys37Glu). This variant is not present in population databases (gnomAD no frequency). This variant has not been reported in the literature in individuals affected with PSTPIP1-related conditions. Advanced modeling of protein sequence and biophysical properties (such as structural, functional, and spatial information, amino acid conservation, physicochemical variation, residue mobility, and thermodynamic stability) performed at Invitae indicates that this missense variant is not expected to disrupt PSTPIP1 protein function with a negative predictive value of 80%. In summary, the available evidence is currently insufficient to determine the role of this variant in disease. Therefore, it has been classified as a Variant of Uncertain Significance.

NM_003978.5(PSTPIP1):c.109A>G (p.Lys37Glu)

Gene: PSTPIP1 (proline-serine-threonine phosphatase interacting protein 1; plus strand). Cytogenetic location: 15q24.3.
Variant type: single nucleotide variant.
Coding change: c.109A>G on transcript NM_003978.5 (MANE Select); coding-DNA position 109, A replaced by G.
Protein change: p.Lys37Glu; replaces lysine 37 with glutamic acid.
Molecular consequence: missense variant. On other transcripts: non-coding transcript variant (1).
Genome position (GRCh38, 1-based): chr15:77,018,220, A>G. VCF-style: chr15-77018220-A-G. GRCh37 (hg19) VCF-style: chr15-77310561-A-G.
Other names: c.109A>G, p.Lys37Glu (NM_001321135.2, NM_001411086.1); c.82A>G, p.Lys28Glu (NM_001321136.2); c.304A>G, p.Lys102Glu (NM_001321137.1); short protein forms K102E, K28E, K37E.
Identifiers: ClinVar variation 3652981 (VCV003652981.2).
Genomic context (GRCh38, chr15:77,018,220, plus strand): 5'-ACAGCCCACACGGGCTACGAGGTGCTGCTGCAGCGGCTTCTGGATGGCAGGAAGATGTGC[A>G]AAGACATGGAGGAGCTACTGAGGCAGAGGTGAGCTGCTGGGCAGGCCATGGGGAGCGCAG-3'
Protein context (NP_003969.2, residues 27-47): QRLLDGRKMC[Lys37Glu]DMEELLRQRA